The following is an entry in ClinVar:

NM_020207.7(ERCC6L2):c.1988G>A (p.Arg663Gln)

Gene: ERCC6L2 (ERCC excision repair 6 like 2; plus strand). Cytogenetic location: 9q22.32.
Variant type: single nucleotide variant.
Coding change: c.1988G>A on transcript NM_020207.7 (MANE Select); coding-DNA position 1988, G replaced by A.
Protein change: p.Arg663Gln; replaces arginine 663 with glutamine.
Molecular consequence: missense variant. On other transcripts: non-coding transcript variant (1).
Genome position (GRCh38, 1-based): chr9:95,966,602, G>A. VCF-style: chr9-95966602-G-A. GRCh37 (hg19) VCF-style: chr9-98728884-G-A.
Other names: c.1988G>A, p.Arg663Gln (NM_001010895.4, NM_001375291.1, NM_001375292.1 and 2 more transcripts); short protein forms R663Q.
Identifiers: ClinVar variation 4618786 (VCV004618786.1).

ClinVar aggregate classification (germline): Uncertain significance (1 of 4 stars; one submission).

Conditions:
Inborn genetic diseases. Identifiers: MedGen C0950123, MeSH D030342.

gnomAD v4.1: 1 of 1,529,010 alleles (0.000065%); highest among the groups gnomAD compares: East Asian, 0.0023%; no homozygotes.

Submission:

Ambry Genetics
Classification: Uncertain significance for Inborn genetic diseases. Last evaluated: 2025-12-10. Review status: criteria provided, single submitter. Criteria: Ambry Variant Classification Scheme 2023. Collection method: clinical testing. Allele origin: germline.
Comment: The p.R663Q variant (also known as c.1988G>A), located in coding exon 14 of the ERCC6L2 gene, results from a G to A substitution at nucleotide position 1988. The arginine at codon 663 is replaced by glutamine, an amino acid with highly similar properties. This amino acid position is conserved. In addition, the in silico prediction for this alteration is inconclusive. Based on the available evidence, the clinical significance of this variant remains unclear.